The following is an entry in ClinVar:

NM_001258392.3(CLPB):c.1497G>C (p.Gln499His)

Gene: CLPB (ClpB family mitochondrial disaggregase; minus strand). Cytogenetic location: 11q13.4.
Variant type: single nucleotide variant.
Coding change: c.1497G>C on transcript NM_001258392.3 (MANE Select); coding-DNA position 1497, G replaced by C.
Protein change: p.Gln499His; replaces glutamine 499 with histidine.
Molecular consequence: missense variant.
Genome position (GRCh38, 1-based): chr11:72,294,683, C>G on the plus strand (G>C on the coding strand, the complement: CLPB is on the minus strand). VCF-style: chr11-72294683-C-G. GRCh37 (hg19) VCF-style: chr11-72005727-C-G.
Other names: c.1410G>C, p.Gln470His (NM_001258393.3); c.1452G>C, p.Gln484His (NM_001258394.3); c.1587G>C, p.Gln529His (NM_030813.6); c.1587G>C (NM_030813.3, NM_030813.5); short protein forms Q470H, Q529H, Q484H, Q499H.
Identifiers: ClinVar variation 1516015 (VCV001516015.9), dbSNP rs577566573, ClinGen allele CA6171141.
Genomic context (GRCh38, chr11:72,294,683, plus strand): 5'-CAGGATAGGGCGAATCACATTCTCCTTGAAGTTCTTTGAGATGGTGATCTTGTCACTTAT[C>G]TGGACATCCCCTGTGGAGAAGAATCATAAACTGCTTATTCCCCACATTCAGGGAACTTTG-3'
Protein context (NP_001245321.1, residues 489-509): NRIAENLGDV[Gln499His]ISDKITISKN

ClinVar aggregate classification (germline): Uncertain significance. Review status: criteria provided, multiple submitters, no conflicts (2 of 4 stars). 4 submissions from 4 submitters: Uncertain significance (4). Last evaluated 2025-10-08.

Conditions:
Inborn genetic diseases. Identifiers: MedGen C0950123, MeSH D030342.
CLPB-related disorder. Also called: CLPB-related condition.
3-methylglutaconic aciduria, type VIIB (MGCA7B). Also called: CLPB Deficiency; 3-methylglutaconic aciduria, type VII, with cataracts, neurologic involvement and neutropenia; 3-methylglutaconic aciduria with cataracts, neurologic involvement and neutropenia. Identifiers: Orphanet 445038, MedGen C5676893, MONDO:0014561, OMIM 616271.

Allele frequency attached by ClinVar (database versions not stated): TOPMed 0.00002.
gnomAD v4.1: 46 of 1,613,752 alleles (0.0029%); highest among the groups gnomAD compares: East Asian, 0.0045%; no homozygotes.

Submissions (4):

PreventionGenetics, part of Exact Sciences
Classification: Uncertain significance for CLPB-related condition. Last evaluated: 2025-10-08. Review status: criteria provided, single submitter. Criteria: ACMG Guidelines, 2015. Collection method: clinical testing. Allele origin: germline.
Comment: The CLPB c.1587G>C variant is predicted to result in the amino acid substitution p.Gln529His. To our knowledge, this variant has not been reported in the literature. This variant is reported in 0.016% of alleles in individuals of East Asian descent in gnomAD. At this time, the clinical significance of this variant is uncertain due to the absence of conclusive functional and genetic evidence.

Labcorp Genetics (formerly Invitae), Labcorp
Classification: Uncertain significance for 3-methylglutaconic aciduria, type VIIB. Last evaluated: 2025-06-12. Review status: criteria provided, single submitter. Criteria: Invitae Variant Classification Sherloc (09022015). Collection method: clinical testing. Allele origin: germline.
Comment: This sequence change replaces glutamine, which is neutral and polar, with histidine, which is basic and polar, at codon 529 of the CLPB protein (p.Gln529His). This variant is present in population databases (rs577566573, gnomAD 0.01%). This variant has not been reported in the literature in individuals affected with CLPB-related conditions. ClinVar contains an entry for this variant (Variation ID: 1516015). An algorithm developed to predict the effect of missense changes on protein structure and function (PolyPhen-2) suggests that this variant is likely to be tolerated. In summary, the available evidence is currently insufficient to determine the role of this variant in disease. Therefore, it has been classified as a Variant of Uncertain Significance.

Blueprint Genetics
Classification: Uncertain significance. Last evaluated: 2024-08-22. Review status: criteria provided, single submitter. Criteria: ACMG Guidelines, 2015. Collection method: clinical testing. Allele origin: germline.

Ambry Genetics
Classification: Uncertain significance for Inborn genetic diseases. Last evaluated: 2021-08-30. Review status: criteria provided, single submitter. Criteria: Ambry Variant Classification Scheme 2023. Collection method: clinical testing. Allele origin: germline.